The following is an entry in ClinVar:

NM_001165963.4(SCN1A):c.2955T>A (p.Asn985Lys)

Gene: SCN1A (sodium voltage-gated channel alpha subunit 1; minus strand). Cytogenetic location: 2q24.3.
Variant type: single nucleotide variant.
Coding change: c.2955T>A on transcript NM_001165963.4 (MANE Select); coding-DNA position 2955, T replaced by A.
Protein change: p.Asn985Lys; replaces asparagine 985 with lysine.
Molecular consequence: missense variant. On other transcripts: non-coding transcript variant (1).
Genome position (GRCh38, 1-based): chr2:166,036,522, A>T on the plus strand (T>A on the coding strand, the complement: SCN1A is on the minus strand). VCF-style: chr2-166036522-A-T. GRCh37 (hg19) VCF-style: chr2-166893032-A-T.
Other names: c.2871T>A, p.Asn957Lys (NM_001165964.3, NM_001353957.2, NM_001353958.2); c.2955T>A, p.Asn985Lys (NM_001202435.3, NM_001353948.2); c.2922T>A, p.Asn974Lys (NM_001353949.2, NM_001353950.2, NM_001353951.2 and 2 more transcripts); c.2919T>A, p.Asn973Lys (NM_001353954.2, NM_001353955.2); c.2868T>A, p.Asn956Lys (NM_001353960.2); c.513T>A, p.Asn171Lys (NM_001353961.2); short protein forms N956K, N973K, N171K, N957K, N985K, N974K.
Identifiers: ClinVar variation 3634036 (VCV003634036.4).

ClinVar aggregate classification (germline): Likely pathogenic. Review status: criteria provided, multiple submitters, no conflicts (2 of 4 stars). 2 submissions from 2 submitters: Likely pathogenic (2). Last evaluated 2025-08-19.

Conditions:
Early-infantile DEE. Also called: Early infantile epileptic encephalopathy; Ohtahara syndrome; Early infantile epileptic encephalopathy with suppression bursts. Identifiers: Orphanet 1934, MedGen C0393706, MONDO:0800491.

Submissions (2):

Dasa
Classification: Likely pathogenic. Last evaluated: 2025-08-19. Review status: criteria provided, single submitter. Criteria: DASA Assertion Criteria. Collection method: clinical testing. Allele origin: germline.
Comment: NM_001165963.4(SCN1A):c.2955T>A (p.Asn985Lys) is a missense variant that results in the substitution of asparagine with lysine. This variant results in the same amino acid change as a previously established pathogenic variant. This variant has been reported in individuals with SCN1A-related disorders (PMID: 37471090). Also, this variant is absent from population databases. Computational evidence supports a deleterious effect. Based on the currently available evidence, this variant is classified as likely pathogenic.

Labcorp Genetics (formerly Invitae), Labcorp
Classification: Likely pathogenic for Early-infantile DEE. Last evaluated: 2024-09-25. Review status: criteria provided, single submitter. Criteria: Invitae Variant Classification Sherloc (09022015). Collection method: clinical testing. Allele origin: germline.
Comment: This sequence change replaces asparagine, which is neutral and polar, with lysine, which is basic and polar, at codon 985 of the SCN1A protein (p.Asn985Lys). This variant is not present in population databases (gnomAD no frequency). This missense change has been observed in individual(s) with SCN1A-related conditions (internal data). Invitae Evidence Modeling of protein sequence and biophysical properties (such as structural, functional, and spatial information, amino acid conservation, physicochemical variation, residue mobility, and thermodynamic stability) indicates that this missense variant is expected to disrupt SCN1A protein function with a positive predictive value of 95%. This variant disrupts the p.Asn985 amino acid residue in SCN1A. Other variant(s) that disrupt this residue have been observed in individuals with SCN1A-related conditions (PMID: 12566275, 28202706; internal data), which suggests that this may be a clinically significant amino acid residue. In summary, the currently available evidence indicates that the variant is pathogenic, but additional data are needed to prove that conclusively. Therefore, this variant has been classified as Likely Pathogenic.

Literature cited by the submitters: PubMed 37471090 (cited by Dasa); PubMed 12566275 (cited by Labcorp Genetics (formerly Invitae), Labcorp); PubMed 28202706 (cited by Labcorp Genetics (formerly Invitae), Labcorp).